The following is an entry in ClinVar:

NM_032242.4(PLXNA1):c.5572T>C (p.Tyr1858His)

Gene: PLXNA1 (plexin A1; plus strand). Cytogenetic location: 3q21.3.
Variant type: single nucleotide variant.
Coding change: c.5572T>C on transcript NM_032242.4 (MANE Select); coding-DNA position 5572, T replaced by C.
Protein change: p.Tyr1858His; replaces tyrosine 1858 with histidine.
Molecular consequence: missense variant.
Genome position (GRCh38, 1-based): chr3:127,032,813, T>C. VCF-style: chr3-127032813-T-C. GRCh37 (hg19) VCF-style: chr3-126751656-T-C.
Other names: short protein forms Y1858H.
Identifiers: ClinVar variation 4992141 (VCV004992141.1).

ClinVar aggregate classification (germline): Uncertain significance (1 of 4 stars; one submission).

Conditions:
PLXNA1-related disorder. Also called: PLXNA1-related condition.

gnomAD v4.1: 3 of 1,613,096 alleles (0.00019%); highest among the groups gnomAD compares: African/African-American, 0.0013%; no homozygotes.

Submission:

PreventionGenetics, part of Exact Sciences
Classification: Uncertain significance for PLXNA1-related condition. Last evaluated: 2025-10-15. Review status: criteria provided, single submitter. Criteria: ACMG Guidelines, 2015. Collection method: clinical testing. Allele origin: germline.
Comment: The PLXNA1 c.5572T>C variant is predicted to result in the amino acid substitution p.Tyr1858His. To our knowledge, this variant has not been reported in the literature or in a large population database (gnomAD), indicating this variant is rare. At this time, the clinical significance of this variant is uncertain due to the absence of conclusive functional and genetic evidence.